The following is an entry in ClinVar:

ClinVar aggregate classification (germline): Uncertain significance (1 of 4 stars; one submission).

Conditions:
Long chain 3-hydroxyacyl-CoA dehydrogenase deficiency. Also called: LCHAD Deficiency; Deficiency of long-chain 3-hydroxyacyl-coenzyme A dehydrogenase. Identifiers: Orphanet 5, MedGen C3711645, MONDO:0012173, OMIM 609016.
Mitochondrial trifunctional protein deficiency. Identifiers: Orphanet 746, MedGen C1969443, MONDO:0012172.

Submission:

Labcorp Genetics (formerly Invitae), Labcorp
Classification: Uncertain significance for Mitochondrial trifunctional protein deficiency; Long chain 3-hydroxyacyl-CoA dehydrogenase deficiency. Last evaluated: 2022-07-14. Review status: criteria provided, single submitter. Criteria: Invitae Variant Classification Sherloc (09022015). Collection method: clinical testing. Allele origin: germline.
Comment: This sequence change replaces glycine, which is neutral and non-polar, with arginine, which is basic and polar, at codon 44 of the HADHA protein (p.Gly44Arg). This variant is not present in population databases (gnomAD no frequency). This variant has not been reported in the literature in individuals affected with HADHA-related conditions. Algorithms developed to predict the effect of missense changes on protein structure and function output the following: SIFT: "Tolerated"; PolyPhen-2: "Benign"; Align-GVGD: "Class C0". The arginine amino acid residue is found in multiple mammalian species, which suggests that this missense change does not adversely affect protein function. Algorithms developed to predict the effect of sequence changes on RNA splicing suggest that this variant may create or strengthen a splice site. In summary, the available evidence is currently insufficient to determine the role of this variant in disease. Therefore, it has been classified as a Variant of Uncertain Significance.

NM_000182.5(HADHA):c.130G>A (p.Gly44Arg)

Gene: HADHA (hydroxyacyl-CoA dehydrogenase trifunctional multienzyme complex subunit alpha; minus strand). Cytogenetic location: 2p23.3.
Variant type: single nucleotide variant.
Coding change: c.130G>A on transcript NM_000182.5 (MANE Select); coding-DNA position 130, G replaced by A.
Protein change: p.Gly44Arg; replaces glycine 44 with arginine.
Molecular consequence: missense variant.
Genome position (GRCh38, 1-based): chr2:26,238,984, C>T on the plus strand (G>A on the coding strand, the complement: HADHA is on the minus strand). VCF-style: chr2-26238984-C-T. GRCh37 (hg19) VCF-style: chr2-26461852-C-T.
Other names: short protein forms G44R.
Identifiers: ClinVar variation 2173541 (VCV002173541.1), dbSNP rs1574627659, ClinGen allele CA346095469.